The following is an entry in ClinVar:

NM_032793.5(MFSD2A):c.412G>A (p.Asp138Asn)

Gene: MFSD2A (MFSD2 lysolipid transporter A, lysophospholipid; plus strand). Cytogenetic location: 1p34.2.
Variant type: single nucleotide variant.
Coding change: c.412G>A on transcript NM_032793.5 (MANE Select); coding-DNA position 412, G replaced by A.
Protein change: p.Asp138Asn; replaces aspartic acid 138 with asparagine.
Molecular consequence: missense variant. On other transcripts: 5 prime UTR variant (1), non-coding transcript variant (1).
Genome position (GRCh38, 1-based): chr1:39,965,269, G>A. VCF-style: chr1-39965269-G-A. GRCh37 (hg19) VCF-style: chr1-40430941-G-A.
Other names: c.451G>A, p.Asp151Asn (NM_001136493.3); c.-57G>A (NM_001287808.2); c.301G>A, p.Asp101Asn (NM_001287809.2); c.406G>A, p.Asp136Asn (NM_001349821.2); c.412G>A, p.Asp138Asn (NM_001349822.2); c.67G>A, p.Asp23Asn (NM_001349823.2); c.451G>A (NM_001136493.1); short protein forms D101N, D136N, D138N, D151N, D23N.
Identifiers: ClinVar variation 2419413 (VCV002419413.7), dbSNP rs774463696, ClinGen allele CA339834027.

ClinVar aggregate classification (germline): Uncertain significance. Review status: criteria provided, multiple submitters, no conflicts (2 of 4 stars). 2 submissions from 2 submitters: Uncertain significance (2). Last evaluated 2025-06-03.

Conditions:
Inborn genetic diseases. Identifiers: MedGen C0950123, MeSH D030342.

Allele frequency attached by ClinVar (database versions not stated): TOPMed below 0.00001; gnomAD 0.00001; gnomAD exomes 0.00001.

Submissions (2):

Ambry Genetics
Classification: Uncertain significance for Inborn genetic diseases. Last evaluated: 2025-06-03. Review status: criteria provided, single submitter. Criteria: Ambry Variant Classification Scheme 2023. Collection method: clinical testing. Allele origin: germline.

Labcorp Genetics (formerly Invitae), Labcorp
Classification: Uncertain significance. Last evaluated: 2022-04-08. Review status: criteria provided, single submitter. Criteria: Invitae Variant Classification Sherloc (09022015). Collection method: clinical testing. Allele origin: germline.
Comment: In summary, the available evidence is currently insufficient to determine the role of this variant in disease. Therefore, it has been classified as a Variant of Uncertain Significance. Algorithms developed to predict the effect of missense changes on protein structure and function (SIFT, PolyPhen-2, Align-GVGD) all suggest that this variant is likely to be tolerated. This variant has not been reported in the literature in individuals affected with MFSD2A-related conditions. This variant is present in population databases (no rsID available, gnomAD 0.002%). This sequence change replaces aspartic acid, which is acidic and polar, with asparagine, which is neutral and polar, at codon 151 of the MFSD2A protein (p.Asp151Asn).